The following is an entry in ClinVar:

ClinVar aggregate classification (germline): Conflicting classifications of pathogenicity. Review status: criteria provided, conflicting classifications (1 of 4 stars). 3 submissions from 3 submitters: Uncertain significance (2); Likely benign (1). Last evaluated 2023-12-06.

Conditions:
Inborn genetic diseases. Identifiers: MedGen C0950123, MeSH D030342.
Pyridoxine-dependent epilepsy (EPEO4). Also called: Pyridoxine-Dependent Seizures; Pyridoxine-Dependent Epilepsy - ALDH7A1; PYRIDOXINE DEPENDENCY WITH SEIZURES; EPILEPSY, EARLY-ONSET, 4, VITAMIN B6-DEPENDENT. Identifiers: Orphanet 3006, MedGen C1849508, MONDO:0009945, OMIM 266100. Disease mechanism: loss of function.

Submissions (3):

Labcorp Genetics (formerly Invitae), Labcorp
Classification: Likely benign for Pyridoxine-dependent epilepsy. Last evaluated: 2023-12-06. Review status: criteria provided, single submitter. Criteria: Invitae Variant Classification Sherloc (09022015). Collection method: clinical testing. Allele origin: germline.

Ambry Genetics
Classification: Uncertain significance for Inborn genetic diseases. Last evaluated: 2018-06-12. Review status: criteria provided, single submitter. Criteria: Ambry Variant Classification Scheme 2023. Collection method: clinical testing. Allele origin: germline.
Comment: The c.31_33delCACinsGAG variant, located in coding exon 1 of the ALDH7A1 gene, results from an in-frame deletion of CAC and insertion of GAG at nucleotide positions 31 to 33. This results in the substitution of the histidine residue for a glutamic acid residue at codon 11, an amino acid with highly similar properties. Based on data from gnomAD, this alteration was deposited as two separate missense substitutions (c.31C>G; c.33C>G) each with an overall frequency of approximately 0.01% (21/184172; 20/183384) total alleles studied. The highest observed frequency for each was approximately 0.07% (19/25066; 18/25014) of Latino alleles. This amino acid position is poorly conserved in available vertebrate species. Since supporting evidence is limited at this time, the clinical significance of this alteration remains unclear.

GeneDx
Classification: Uncertain significance. Last evaluated: 2015-01-05. Review status: criteria provided, single submitter. Criteria: GeneDx Variant Classification (06012015). Collection method: clinical testing. Allele origin: germline. Affected: yes.
Comment: c.31_33delCACinsGAG: p.His11Glu (H11E) in exon 1 of the ALDH7A1 gene (NM_001182.4). The normal sequence with the bases that are deleted in braces followed by the inserted bases in brackets is: CTGTGTGTG{CAC}[GAG] GCTG. The c.31_33delCACinsGAG variant has not been published as a mutation, nor has it been reported as a benign polymorphism to our knowledge. The c.31_33delCACinsGAG variant results in an in-frame deletion of a single Histidine residue and the insertion of a single Glutamic acid residue, denoted p.His11Glu (H11E). The H11E variant is a non-conservative amino acid substitution, which is likely to impact secondary protein structure as these residues differ in polarity, charge, size and/or other properties. However, this substitution occurs at a position that is not conserved across species, and in silico analysis predicts this variant likely does not alter the protein structure/function. Based on the currently available information, it is unclear whether this variant is a pathogenic mutation or a rare benign variant. The variant is found in INFANT-EPI panel(s).

NM_001182.5(ALDH7A1):c.31_33delinsGAG (p.His11Glu)

Gene: ALDH7A1 (aldehyde dehydrogenase 7 family member A1; minus strand). Cytogenetic location: 5q23.2.
Variant type: Indel.
Coding change: c.31_33delinsGAG on transcript NM_001182.5 (MANE Select); coding-DNA positions 31 to 33, CAC replaced by GAG.
Protein change: p.His11Glu; replaces histidine 11 with glutamic acid.
Molecular consequence: missense variant. On other transcripts: 5 prime UTR variant (1).
Genome position (GRCh38, 1-based): chr5:126,595,166-126,595,168, GTG replaced by CTC on the plus strand (CAC replaced by GAG on the coding strand, the reverse complement: ALDH7A1 is on the minus strand). VCF-style: chr5-126595166-GTG-CTC. GRCh37 (hg19) VCF-style: chr5-125930858-GTG-CTC.
Other names: p.H11E:CAC>GAG; c.-54_-52delinsGAG (NM_001201377.2); c.31_33delinsGAG, p.His11Glu (NM_001202404.2); c.31_33delCACinsGAG (NM_001182.4); short protein forms H11E.
Identifiers: ClinVar variation 204861 (VCV000204861.9), dbSNP rs796052269, ClinGen allele CA313228.